The following is an entry in ClinVar:

ClinVar aggregate classification (germline): Benign/Likely benign. Review status: criteria provided, multiple submitters, no conflicts (2 of 4 stars). 8 submissions from 8 submitters: Benign (3); Likely benign (3). 2 of the submissions do not count toward it. Last evaluated 2025-11-24.

Conditions:
Autosomal recessive ataxia, Beauce type. Also called: SYNE1-Related Autosomal Recessive Cerebellar Ataxia; SYNE1 Deficiency; Spinocerebellar ataxia, autosomal recessive 8; ATAXIA, RECESSIVE, OF BEAUCE. Identifiers: Orphanet 88644, MedGen C1853116, MONDO:0012549, OMIM 610743.
Emery-Dreifuss muscular dystrophy 4, autosomal dominant (EDMD4). Also called: EMERY-DREIFUSS MUSCULAR DYSTROPHY 4 WITH VARIABLE FEATURES. Identifiers: Orphanet 261, MedGen C2751807, MONDO:0013071, OMIM 612998.
SYNE1-related disorder. Also called: SYNE1-related disorders; SYNE1-related disease; SYNE1-related condition.

Allele frequency attached by ClinVar (database versions not stated): TOPMed 0.00051; 1000 Genomes Project 30x 0.00062; 1000 Genomes Project 0.00080; gnomAD 0.00135 and 0.00137; ExAC 0.00160; gnomAD exomes 0.00194.
gnomAD v4.1: 1,290 of 1,613,890 alleles (0.08%); highest among the groups gnomAD compares: East Asian, 0.54%; 8 homozygotes.

Submissions (8):

Labcorp Genetics (formerly Invitae), Labcorp
Classification: Benign for Emery-Dreifuss muscular dystrophy 4, autosomal dominant; Autosomal recessive ataxia, Beauce type. Last evaluated: 2025-11-24. Review status: criteria provided, single submitter. Criteria: Invitae Variant Classification Sherloc (09022015). Collection method: clinical testing. Allele origin: germline.

CeGaT Center for Human Genetics Tuebingen
Classification: Benign. Last evaluated: 2025-09-01. Review status: criteria provided, single submitter. Criteria: CeGaT Center For Human Genetics Tuebingen Variant Classification Criteria Version 2. Collection method: clinical testing. Allele origin: germline. Affected: yes. Observed: 6 variant alleles.
Comment: SYNE1: BP4, BS1, BS2

Mayo Clinic Laboratories, Mayo Clinic
Classification: Benign. Last evaluated: 2025-03-11. Review status: criteria provided, single submitter. Criteria: ACMG Guidelines, 2015. Collection method: clinical testing. Allele origin: germline. Observed: 1 variant allele.
Comment: BA1, BP4_moderate

Blueprint Genetics
Classification: Likely benign. Last evaluated: 2024-11-22. Review status: criteria provided, single submitter. Criteria: ACMG Guidelines, 2015. Collection method: clinical testing. Allele origin: germline.

Eurofins Ntd Llc (ga)
Classification: Likely benign. Last evaluated: 2018-09-14. Review status: criteria provided, single submitter. Criteria: EGL ClinVar v180209 classification definitions. Collection method: clinical testing. Allele origin: germline. Observed: 1 variant allele, 1 heterozygote.

GeneDx
Classification: Likely benign. Last evaluated: 2017-09-07. Review status: criteria provided, single submitter. Criteria: GeneDx Variant Classification (06012015). Collection method: clinical testing. Allele origin: germline. Affected: yes.
Comment: This variant is considered likely benign or benign based on one or more of the following criteria: it is a conservative change, it occurs at a poorly conserved position in the protein, it is predicted to be benign by multiple in silico algorithms, and/or has population frequency not consistent with disease.

Pediatric Orthopedics, West China Second University Hospital, Sichuan University
Classification: Uncertain significance for Emery-Dreifuss muscular dystrophy 4, autosomal dominant. Last evaluated: 2026-06-17. Review status: no assertion criteria provided. Collection method: clinical testing. Allele origin: germline. Affected: yes and no. Observed: 2 variant alleles, 2 heterozygotes. Not counted in ClinVar's aggregate classification.
Comment: The clinical genetic testing report predicted this variant to be deleterious in silico. Although the co-occurrence of these two heterozygous variants may be relevant to the severe phenotype, the available evidence is insufficient to determine the pathogenic role of this SYNE1 variant. Therefore, this variant was classified as a variant of uncertain significance

PreventionGenetics, part of Exact Sciences
Classification: Benign for SYNE1-related condition. Last evaluated: 2020-01-27. Review status: no assertion criteria provided. Collection method: clinical testing. Allele origin: germline. Not counted in ClinVar's aggregate classification.
Comment: This variant is classified as benign based on ACMG/AMP sequence variant interpretation guidelines (Richards et al. 2015 PMID: 25741868, with internal and published modifications).

Literature cited by the submitters: PubMed 28818390 (cited by Mayo Clinic Laboratories, Mayo Clinic).

NM_182961.4(SYNE1):c.2881C>T (p.Arg961Trp)

Gene: SYNE1 (spectrin repeat containing nuclear envelope protein 1; minus strand). Cytogenetic location: 6q25.2.
Variant type: single nucleotide variant.
Coding change: c.2881C>T on transcript NM_182961.4 (MANE Select); coding-DNA position 2881, C replaced by T.
Protein change: p.Arg961Trp; replaces arginine 961 with tryptophan.
Molecular consequence: missense variant.
Genome position (GRCh38, 1-based): chr6:152,455,437, G>A on the plus strand (C>T on the coding strand, the complement: SYNE1 is on the minus strand). VCF-style: chr6-152455437-G-A. GRCh37 (hg19) VCF-style: chr6-152776572-G-A.
Other names: p.Arg968Trp; p.Arg961Trp; c.2902C>T, p.Arg968Trp (NM_033071.5); short protein forms R961W, R968W.
Identifiers: ClinVar variation 511896 (VCV000511896.57), dbSNP rs201146062, ClinGen allele CA4059011.